The following is an entry in ClinVar:

ClinVar aggregate classification (germline): Likely pathogenic (1 of 4 stars; one submission).

Conditions:
Autosomal recessive nonsyndromic hearing loss 2. Also called: DEAFNESS, AUTOSOMAL RECESSIVE 2; NEUROSENSORY NONSYNDROMIC RECESSIVE DEAFNESS 2. Identifiers: Orphanet 90636, MedGen C1838701, MONDO:0010807, OMIM 600060.
Autosomal dominant nonsyndromic hearing loss 11. Identifiers: Orphanet 90635, MedGen C1832475, MONDO:0011032, OMIM 601317.
Usher syndrome type 1 (USH1). Also called: RETINITIS PIGMENTOSA AND CONGENITAL DEAFNESS. Identifiers: Orphanet 231169, Orphanet 886, MedGen C1568247, MONDO:0010168, OMIM 276900.

Submission:

Juno Genomics, Hangzhou Juno Genomics, Inc
Classification: Likely pathogenic for Usher syndrome type 1; Autosomal dominant nonsyndromic hearing loss 11; Autosomal recessive nonsyndromic hearing loss 2. Review status: criteria provided, single submitter. Criteria: ACMG Guidelines, 2015. Collection method: clinical testing. Allele origin: germline.
Comment: Null variant in a gene where loss of function (LOF) is a known mechanism of disease.;Absent from controls (or at extremely low frequency if recessive) in Genome Aggregation Database.

NM_000260.4(MYO7A):c.2269G>T (p.Gly757Ter)

Gene: MYO7A (myosin VIIA; plus strand). Cytogenetic location: 11q13.5.
Variant type: single nucleotide variant.
Coding change: c.2269G>T on transcript NM_000260.4 (MANE Select); coding-DNA position 2269, G replaced by T.
Protein change: p.Gly757Ter; replaces glycine 757 with a stop codon.
Molecular consequence: nonsense.
Genome position (GRCh38, 1-based): chr11:77,177,630, G>T. VCF-style: chr11-77177630-G-T. GRCh37 (hg19) VCF-style: chr11-76888676-G-T.
Other names: c.2269G>T, p.Gly757Ter (NM_001127180.2); c.2236G>T, p.Gly746Ter (NM_001369365.1); short protein forms G746*, G757*.
Identifiers: ClinVar variation 5004992 (VCV005004992.2).
Genomic context (GRCh38, chr11:77,177,630, plus strand): 5'-GAAGTGGAGCGGGACAAAGCCATCACCGACAGAGTCATCCTCCTTCAGAAAGTCATCCGG[G>T]GATTCAAAGACAGGTGCGTGTTCCCACCAGCTCCTCCCCTCCTCAGCCCACATACAGGTG-3'